The following is an entry in ClinVar:

ClinVar aggregate classification (germline): Uncertain significance. Review status: reviewed by expert panel (3 of 4 stars). 2 submissions from 2 submitters: Uncertain significance (1). 1 of the submissions does not count toward it. Last evaluated 2025-01-15.

Conditions:
Hereditary thrombocytopenia and hematological cancer predisposition syndrome associated with RUNX1. Also called: Familial Platelet Disorder with Propensity to Acute Myelogenous Leukemia; Familial thrombocytopenia with propensity to acute myelogenous leukemia; PLATELET DISORDER, ASPIRIN-LIKE; RUNX1 Familial Platelet Disorder with Associated Myeloid Malignancies. Identifiers: Orphanet 71290, MedGen C1832388, MeSH C563324, MONDO:0100083, OMIM 601399.
Hereditary thrombocytopenia and hematologic cancer predisposition syndrome. Identifiers: Orphanet 71290, MedGen CN281654, MONDO:0011071.

Submissions (2):

ClinGen Myeloid Malignancy Variant Curation Expert Panel
Classification: Uncertain significance for Hereditary thrombocytopenia and hematologic cancer predisposition syndrome. Last evaluated: 2025-01-15. Review status: reviewed by expert panel. Criteria: ClinGen MyeloMalig ACMG Specifications v2. Collection method: curation. Allele origin: germline. Inheritance: Autosomal dominant inheritance.
Comment: NM_001754.5(RUNX1):c.613+1G>A is a canonical splice site variant affecting the splice donor site at c.613 in intron 6, leading to exon 6 skipping. This results in an in-frame deletion of amino acids 171-205, including G170, within the Runt Homology Domain (RHD) (PVS1_strong). This variant is completely absent from all population databases with at least 20x coverage for RUNX1 (PM2_supporting). In summary, the clinical significance of this variant is uncertain. ACMG/AMP criteria applied, as specified by the Myeloid Malignancy Variant Curation Expert Panel for RUNX1: PVS1_strong, PM2_supporting.

Labcorp Genetics (formerly Invitae), Labcorp
Classification: Likely pathogenic for Hereditary thrombocytopenia and hematological cancer predisposition syndrome associated with RUNX1. Last evaluated: 2022-08-09. Review status: criteria provided, single submitter. Criteria: Invitae Variant Classification Sherloc (09022015). Collection method: clinical testing. Allele origin: germline. Not counted in ClinVar's aggregate classification.
Comment: This sequence change affects a donor splice site in intron 6 of the RUNX1 gene. It is expected to disrupt RNA splicing. Variants that disrupt the donor or acceptor splice site typically lead to a loss of protein function (PMID: 16199547), and loss-of-function variants in RUNX1 are known to be pathogenic (PMID: 18723428, 24100448). This variant is not present in population databases (gnomAD no frequency). In summary, the currently available evidence indicates that the variant is pathogenic, but additional data are needed to prove that conclusively. Therefore, this variant has been classified as Likely Pathogenic. Algorithms developed to predict the effect of sequence changes on RNA splicing suggest that this variant may disrupt the consensus splice site. This variant has not been reported in the literature in individuals affected with RUNX1-related conditions.

Literature cited by the submitters: PubMed 16199547 (cited by Labcorp Genetics (formerly Invitae), Labcorp); PubMed 18723428 (cited by Labcorp Genetics (formerly Invitae), Labcorp); PubMed 24100448 (cited by Labcorp Genetics (formerly Invitae), Labcorp).

NM_001754.5(RUNX1):c.613+1G>A

Genes: RUNX1 (RUNX family transcription factor 1; minus strand), RUNX1-AS1 (RUNX1 antisense RNA 1; plus strand). Cytogenetic location: 21q22.12.
Variant type: single nucleotide variant.
Coding change: c.613+1G>A on transcript NM_001754.5 (MANE Select); the canonical splice donor site of the intron after coding-DNA position 613, G replaced by A.
Molecular consequence: splice donor variant.
Genome position (GRCh38, 1-based): chr21:34,859,473, C>T on the plus strand (G>A on the coding strand, the complement: RUNX1 is on the minus strand). VCF-style: chr21-34859473-C-T. GRCh37 (hg19) VCF-style: chr21-36231770-C-T.
Other names: c.532+1G>A (NM_001001890.3, NM_001122607.2).
Identifiers: ClinVar variation 2023119 (VCV002023119.5), dbSNP rs2057540781, ClinGen allele CA410207932.